The following is an entry in ClinVar:

ClinVar aggregate classification (germline): Uncertain significance (1 of 4 stars; one submission).

Conditions:
Hereditary cancer-predisposing syndrome. Also called: Hereditary Cancer Syndrome; Hereditary neoplastic syndrome; Neoplastic Syndromes, Hereditary; Tumor predisposition. Identifiers: Orphanet 140162, MedGen C0027672, MeSH D009386, MONDO:0015356.

Submission:

Ambry Genetics
Classification: Uncertain significance for Hereditary cancer-predisposing syndrome. Last evaluated: 2020-01-03. Review status: criteria provided, single submitter. Criteria: Ambry Variant Classification Scheme 2023. Collection method: clinical testing. Allele origin: germline.
Comment: The p.C189F variant (also known as c.566G>T), located in coding exon 3 of the PDGFRA gene, results from a G to T substitution at nucleotide position 566. The cysteine at codon 189 is replaced by phenylalanine, an amino acid with highly dissimilar properties. This amino acid position is highly conserved in available vertebrate species. In addition, this alteration is predicted to be deleterious by in silico analysis. Since supporting evidence is limited at this time, the clinical significance of this alteration remains unclear.

NM_006206.6(PDGFRA):c.566G>T (p.Cys189Phe)

Gene: PDGFRA (platelet derived growth factor receptor alpha; plus strand). Cytogenetic location: 4q12.
Variant type: single nucleotide variant.
Coding change: c.566G>T on transcript NM_006206.6 (MANE Select); coding-DNA position 566, G replaced by T.
Protein change: p.Cys189Phe; replaces cysteine 189 with phenylalanine.
Molecular consequence: missense variant.
Genome position (GRCh38, 1-based): chr4:54,263,865, G>T. VCF-style: chr4-54263865-G-T. GRCh37 (hg19) VCF-style: chr4-55130032-G-T.
Other names: c.566G>T, p.Cys189Phe (NM_001347827.2, NM_001347829.2); c.641G>T, p.Cys214Phe (NM_001347828.2); c.605G>T, p.Cys202Phe (NM_001347830.2); short protein forms C189F, C214F, C202F.
Identifiers: ClinVar variation 1748960 (VCV001748960.2), dbSNP rs2110253204, ClinGen allele CA356890100.